The following is an entry in ClinVar:

ClinVar aggregate classification (germline): Uncertain significance (1 of 4 stars; one submission).

Conditions:
Ullrich congenital muscular dystrophy 2 (UCMD2). Identifiers: Orphanet 75840, MedGen C4225314, MONDO:0014654, OMIM 616470.
Bethlem myopathy 2 (BTHLM2). Identifiers: Orphanet 536516, Orphanet 610, MedGen C4225313, MONDO:0034022, OMIM 616471.

Submission:

Labcorp Genetics (formerly Invitae), Labcorp
Classification: Uncertain significance for Bethlem myopathy 2; Ullrich congenital muscular dystrophy 2. Last evaluated: 2025-03-26. Review status: criteria provided, single submitter. Criteria: Invitae Variant Classification Sherloc (09022015). Collection method: clinical testing. Allele origin: germline.
Comment: This variant, c.8250_8258dup, results in the insertion of 3 amino acid(s) of the COL12A1 protein (p.Pro2752_Pro2754dup), but otherwise preserves the integrity of the reading frame. This variant is not present in population databases (gnomAD no frequency). This variant has not been reported in the literature in individuals affected with COL12A1-related conditions. In summary, the available evidence is currently insufficient to determine the role of this variant in disease. Therefore, it has been classified as a Variant of Uncertain Significance.

NM_004370.6(COL12A1):c.8241ACCTCCAGG[3] (p.Pro2754_Ala2755insProGlyPro)

Gene: COL12A1 (collagen type XII alpha 1 chain; minus strand). Cytogenetic location: 6q13.
Variant type: Microsatellite.
Coding change: c.8241ACCTCCAGG[3] on transcript NM_004370.6 (MANE Select); three copies in a row of the 9-base unit ACCTCCAGG starting at c.8241; the reference has two copies in a row; one copy, 9 bases duplicated.
Protein change: p.Pro2754_Ala2755insProGlyPro.
Genome position (GRCh38, 1-based): chr6:75,105,213-75,105,221, CCTGGAGGT duplicated on the plus strand (ACCTCCAGG on the coding strand, the reverse complement: COL12A1 is on the minus strand); duplicating any 9 consecutive bases within chr6:75,105,213-75,105,232 gives the same sequence; the position shown is the placement nearest the transcript's 3' end. VCF-style (leftmost placement, unchanged base first): chr6-75105212-G-GCCTGGAGGT. GRCh37 (hg19) VCF-style: chr6-75814928-G-GCCTGGAGGT.
Other names: c.8241ACCTCCAGG[3], p.Pro2754_Ala2755insProGlyPro (NM_001424113.1); c.8220ACCTCCAGG[3], p.Pro2747_Ala2748insProGlyPro (NM_001424114.1); c.7968ACCTCCAGG[3], p.Pro2663_Ala2664insProGlyPro (NM_001424115.1); c.4749ACCTCCAGG[3], p.Pro1590_Ala1591insProGlyPro (NM_001424116.1, NM_080645.3).
Identifiers: ClinVar variation 4792411 (VCV004792411.1).